The following is an entry in ClinVar:

ClinVar aggregate classification (germline): Uncertain significance. Review status: criteria provided, multiple submitters, no conflicts (2 of 4 stars). 3 submissions from 3 submitters: Uncertain significance (3). Last evaluated 2025-03-11.

Conditions:
Charcot-Marie-Tooth disease axonal type 2O. Also called: CHARCOT-MARIE-TOOTH NEUROPATHY, AXONAL, TYPE 2O; CHARCOT-MARIE-TOOTH DISEASE, AXONAL, AUTOSOMAL DOMINANT, TYPE 2O; Charcot-Marie-Tooth Neuropathy Type 2O; Charcot-Marie-Tooth disease, axonal, type 20. Identifiers: Orphanet 284232, MedGen C3280220, MONDO:0013644, OMIM 614228.

Allele frequency attached by ClinVar (database versions not stated): gnomAD exomes below 0.00001.
gnomAD v4.1: 2 of 1,614,084 alleles (0.00012%); highest among the groups gnomAD compares: East Asian, 0.0022%; no homozygotes.

Submissions (3):

Labcorp Genetics (formerly Invitae), Labcorp
Classification: Uncertain significance for Charcot-Marie-Tooth disease axonal type 2O. Last evaluated: 2025-03-11. Review status: criteria provided, single submitter. Criteria: Invitae Variant Classification Sherloc (09022015). Collection method: clinical testing. Allele origin: germline.
Comment: This sequence change replaces asparagine, which is neutral and polar, with serine, which is neutral and polar, at codon 4491 of the DYNC1H1 protein (p.Asn4491Ser). This variant is not present in population databases (gnomAD no frequency). This variant has not been reported in the literature in individuals affected with DYNC1H1-related conditions. ClinVar contains an entry for this variant (Variation ID: 3026288). Invitae Evidence Modeling of protein sequence and biophysical properties (such as structural, functional, and spatial information, amino acid conservation, physicochemical variation, residue mobility, and thermodynamic stability) indicates that this missense variant is not expected to disrupt DYNC1H1 protein function with a negative predictive value of 95%. In summary, the available evidence is currently insufficient to determine the role of this variant in disease. Therefore, it has been classified as a Variant of Uncertain Significance.

GeneDx
Classification: Uncertain significance. Last evaluated: 2024-11-12. Review status: criteria provided, single submitter. Criteria: GeneDx Variant Classification Process June 2021. Collection method: clinical testing. Allele origin: germline. Affected: yes.
Comment: Not observed at significant frequency in large population cohorts (gnomAD); In silico analysis indicates that this missense variant does not alter protein structure/function; Has not been previously published as pathogenic or benign to our knowledge

CeGaT Center for Human Genetics Tuebingen
Classification: Uncertain significance. Last evaluated: 2024-01-01. Review status: criteria provided, single submitter. Criteria: CeGaT Center For Human Genetics Tuebingen Variant Classification Criteria Version 2. Collection method: clinical testing. Allele origin: germline. Affected: yes. Observed: 1 variant allele.
Comment: DYNC1H1: PM2, BP4

NM_001376.5(DYNC1H1):c.13472A>G (p.Asn4491Ser)

Gene: DYNC1H1 (dynein cytoplasmic 1 heavy chain 1; plus strand). Cytogenetic location: 14q32.31.
Variant type: single nucleotide variant.
Coding change: c.13472A>G on transcript NM_001376.5 (MANE Select); coding-DNA position 13472, A replaced by G.
Protein change: p.Asn4491Ser; replaces asparagine 4491 with serine.
Molecular consequence: missense variant.
Genome position (GRCh38, 1-based): chr14:102,049,539, A>G. VCF-style: chr14-102049539-A-G. GRCh37 (hg19) VCF-style: chr14-102515876-A-G.
Other names: short protein forms N4491S.
Identifiers: ClinVar variation 3026288 (VCV003026288.23), dbSNP rs2503888467, ClinGen allele CA391049451.